The following is an entry in ClinVar:

NM_016292.3(TRAP1):c.1916A>T (p.Gln639Leu)

Genes: DNASE1 (deoxyribonuclease 1; plus strand), TRAP1 (TNF receptor associated protein 1; minus strand). Cytogenetic location: 16p13.3.
Variant type: single nucleotide variant.
Coding change: c.1916A>T on transcript NM_016292.3 (MANE Select); coding-DNA position 1916, A replaced by T.
Protein change: p.Gln639Leu; replaces glutamine 639 with leucine.
Molecular consequence: missense variant. On other transcripts: intron variant (1).
Genome position (GRCh38, 1-based): chr16:3,662,011, T>A on the plus strand (A>T on the coding strand, the complement: TRAP1 is on the minus strand). VCF-style: chr16-3662011-T-A. GRCh37 (hg19) VCF-style: chr16-3712012-T-A.
Other names: c.1757A>T, p.Gln586Leu (NM_001272049.2); c.*22-635T>A (NM_001387140.1); short protein forms Q586L, Q639L.
Identifiers: ClinVar variation 3011022 (VCV003011022.3), dbSNP rs909375484, ClinGen allele CA276975451.

ClinVar aggregate classification (germline): Uncertain significance (1 of 4 stars; one submission).

gnomAD v4.1: 2 of 1,611,286 alleles (0.00012%); highest among the groups gnomAD compares: Admixed American, 0.0017%; no homozygotes.

Submission:

Labcorp Genetics (formerly Invitae), Labcorp
Classification: Uncertain significance. Last evaluated: 2023-11-16. Review status: criteria provided, single submitter. Criteria: Invitae Variant Classification Sherloc (09022015). Collection method: clinical testing. Allele origin: germline.
Comment: This sequence change replaces glutamine, which is neutral and polar, with leucine, which is neutral and non-polar, at codon 639 of the TRAP1 protein (p.Gln639Leu). This variant is not present in population databases (gnomAD no frequency). This variant has not been reported in the literature in individuals affected with TRAP1-related conditions. Advanced modeling of protein sequence and biophysical properties (such as structural, functional, and spatial information, amino acid conservation, physicochemical variation, residue mobility, and thermodynamic stability) performed at Invitae indicates that this missense variant is not expected to disrupt TRAP1 protein function with a negative predictive value of 80%. In summary, the available evidence is currently insufficient to determine the role of this variant in disease. Therefore, it has been classified as a Variant of Uncertain Significance.